The following is an entry in ClinVar:

NM_032790.4(ORAI1):c.350C>T (p.Pro117Leu)

Gene: ORAI1 (ORAI calcium release-activated calcium modulator 1; plus strand). Cytogenetic location: 12q24.31.
Variant type: single nucleotide variant.
Coding change: c.350C>T on transcript NM_032790.4 (MANE Select); coding-DNA position 350, C replaced by T.
Protein change: p.Pro117Leu; replaces proline 117 with leucine.
Genome position (GRCh38, 1-based): chr12:121,641,087, C>T. VCF-style: chr12-121641087-C-T. GRCh37 (hg19) VCF-style: chr12-122078993-C-T.
Other names: short protein forms P117L.
Identifiers: ClinVar variation 1991546 (VCV001991546.5), dbSNP rs782088694, ClinGen allele CA6837477.
Genomic context (GRCh38, chr12:121,641,087, plus strand): 5'-CTGTCCCCCCGCAGGTGGCAATGGTGGAGGTGCAGCTGGACGCTGACCACGACTACCCAC[C>T]GGGGCTGCTCATCGCCTTCAGTGCCTGCACCACAGTGCTGGTGGCTGTGCACCTGTTTGC-3'
Protein context (NP_116179.2, residues 107-127): VQLDADHDYP[Pro117Leu]GLLIAFSACT

ClinVar aggregate classification (germline): Uncertain significance. Review status: criteria provided, multiple submitters, no conflicts (2 of 4 stars). 2 submissions from 2 submitters: Uncertain significance (2). Last evaluated 2025-10-29.

Conditions:
Myopathy, tubular aggregate, 2 (TAM2). Identifiers: MedGen C4014557, MONDO:0014383, OMIM 615883.
Combined immunodeficiency due to ORAI1 deficiency. Also called: IMMUNODEFICIENCY 9. Identifiers: Orphanet 169090, Orphanet 317428, MedGen C2748568, MONDO:0013007, OMIM 612782.

Allele frequency attached by ClinVar (database versions not stated): gnomAD 0.00001; ExAC 0.00002.

Submissions (2):

Women's Health and Genetics/Laboratory Corporation of America, LabCorp
Classification: Uncertain significance. Last evaluated: 2025-10-29. Review status: criteria provided, single submitter. Criteria: LabCorp Variant Classification Summary - May 2015. Collection method: clinical testing. Allele origin: germline.
Comment: Variant summary: ORAI1 c.356C>T (p.Pro119Leu), also referred to as refseq c.350C>T (p.Pro117Leu), results in a non-conservative amino acid change in the encoded protein sequence. Algorithms developed to predict the effect of missense changes on protein structure and function are either unavailable or do not agree on the potential impact of this missense change. The variant allele was found at a frequency of 1.2e-05 in 247716 control chromosomes. The available data on variant occurrences in the general population are insufficient to allow any conclusion about variant significance. To our knowledge, no occurrence of c.356C>T in individuals affected with ORAI1-related conditions and no experimental evidence demonstrating its impact on protein function have been reported. ClinVar contains an entry for this variant (Variation ID: 1991546). Based on the evidence outlined above, the variant was classified as uncertain significance.

Labcorp Genetics (formerly Invitae), Labcorp
Classification: Uncertain significance for Myopathy, tubular aggregate, 2; Combined immunodeficiency due to ORAI1 deficiency. Last evaluated: 2025-08-10. Review status: criteria provided, single submitter. Criteria: Invitae Variant Classification Sherloc (09022015). Collection method: clinical testing. Allele origin: germline.
Comment: This sequence change replaces proline, which is neutral and non-polar, with leucine, which is neutral and non-polar, at codon 117 of the ORAI1 protein (p.Pro117Leu). This variant is present in population databases (rs782088694, gnomAD 0.007%). This variant has not been reported in the literature in individuals affected with ORAI1-related conditions. ClinVar contains an entry for this variant (Variation ID: 1991546). Experimental studies and prediction algorithms are not available or were not evaluated, and the functional significance of this variant is currently unknown. In summary, the available evidence is currently insufficient to determine the role of this variant in disease. Therefore, it has been classified as a Variant of Uncertain Significance.